The following is an entry in ClinVar:

ClinVar aggregate classification (germline): Pathogenic. Review status: criteria provided, multiple submitters, no conflicts (2 of 4 stars). 2 submissions from 2 submitters: Pathogenic (2). Last evaluated 2026-01-25.

Submissions (2):

GeneDx
Classification: Pathogenic. Last evaluated: 2026-01-25. Review status: criteria provided, single submitter. Criteria: GeneDx Variant Classification Process June 2021. Collection method: clinical testing. Allele origin: germline. Affected: yes.
Comment: Occurs in the triple helical domain and replaces the glycine in the canonical Gly-X-Y repeat; missense substitution of a canonical glycine residue is expected to disrupt normal protein folding and function, and this is an established mechanism of disease (HGMD); Not observed at significant frequency in large population cohorts (gnomAD); In silico analysis supports that this missense variant has a deleterious effect on protein structure/function; This variant is associated with the following publications: (PMID: 33404007, 21442341)

Labcorp Genetics (formerly Invitae), Labcorp
Classification: Pathogenic. Last evaluated: 2025-10-26. Review status: criteria provided, single submitter. Criteria: Invitae Variant Classification Sherloc (09022015). Collection method: clinical testing. Allele origin: germline.
Comment: This sequence change replaces glycine, which is neutral and non-polar, with cysteine, which is neutral and slightly polar, at codon 672 of the COL2A1 protein (p.Gly672Cys). This variant is not present in population databases (gnomAD no frequency). This missense change has been observed in individual(s) with autosomal dominant COL2A1-related conditions (PMID: 21442341). In at least one individual the variant was observed to be de novo. ClinVar contains an entry for this variant (Variation ID: 1254061). Invitae Evidence Modeling of protein sequence and biophysical properties (such as structural, functional, and spatial information, amino acid conservation, physicochemical variation, residue mobility, and thermodynamic stability) indicates that this missense variant is expected to disrupt COL2A1 protein function with a positive predictive value of 95%. This variant disrupts the triple helix domain of COL2A1. Glycine residues within the Gly-Xaa-Yaa repeats of the triple helix domain are required for the structure and stability of fibrillar collagens (PMID: 7695699, 8218237, 19344236). In COL2A1, variants affecting these glycine residues are significantly enriched in individuals with disease (PMID: 9016532, 17078022) compared to the general population (ExAC). For these reasons, this variant has been classified as Pathogenic.

Literature cited by the submitters: PubMed 21442341 (cited by Labcorp Genetics (formerly Invitae), Labcorp); PubMed 7695699 (cited by Labcorp Genetics (formerly Invitae), Labcorp); PubMed 8218237 (cited by Labcorp Genetics (formerly Invitae), Labcorp); PubMed 19344236 (cited by Labcorp Genetics (formerly Invitae), Labcorp); PubMed 9016532 (cited by Labcorp Genetics (formerly Invitae), Labcorp); PubMed 17078022 (cited by Labcorp Genetics (formerly Invitae), Labcorp).

NM_001844.5(COL2A1):c.2014G>T (p.Gly672Cys)

Gene: COL2A1 (collagen type II alpha 1 chain; minus strand). Cytogenetic location: 12q13.11.
Variant type: single nucleotide variant.
Coding change: c.2014G>T on transcript NM_001844.5 (MANE Select); coding-DNA position 2014, G replaced by T.
Protein change: p.Gly672Cys; replaces glycine 672 with cysteine.
Molecular consequence: missense variant.
Genome position (GRCh38, 1-based): chr12:47,983,420, C>A on the plus strand (G>T on the coding strand, the complement: COL2A1 is on the minus strand). VCF-style: chr12-47983420-C-A. GRCh37 (hg19) VCF-style: chr12-48377203-C-A.
Other names: c.1807G>T, p.Gly603Cys (NM_033150.3); short protein forms G603C, G672C.
Identifiers: ClinVar variation 1254061 (VCV001254061.9), dbSNP rs2136555019, ClinGen allele CA384548024.